The following is an entry in ClinVar:

NM_000465.4(BARD1):c.1810+6G>T

Gene: BARD1 (BRCA1 associated RING domain 1; minus strand). Cytogenetic location: 2q35.
Variant type: single nucleotide variant.
Coding change: c.1810+6G>T on transcript NM_000465.4 (MANE Select); 6 bases into the intron after coding-DNA position 1810, G replaced by T.
Molecular consequence: intron variant.
Genome position (GRCh38, 1-based): chr2:214,745,716, C>A on the plus strand (G>T on the coding strand, the complement: BARD1 is on the minus strand). VCF-style: chr2-214745716-C-A. GRCh37 (hg19) VCF-style: chr2-215610440-C-A.
Other names: c.400+6G>T (NM_001282548.2); c.1753+6G>T (NM_001282543.2); c.457+6G>T (NM_001282545.2); c.365-15208G>T (NM_001282549.2).
Identifiers: ClinVar variation 2729206 (VCV002729206.4), dbSNP rs1693071603, ClinGen allele CA1327053627.

ClinVar aggregate classification (germline): Likely benign. Review status: criteria provided, multiple submitters, no conflicts (2 of 4 stars). 2 submissions from 2 submitters: Likely benign (2). Last evaluated 2024-07-26.

Conditions:
Familial cancer of breast. Also called: BREAST CANCER, FAMILIAL; Hereditary breast cancer; hereditary breast carcinoma. Identifiers: Orphanet 227535, MedGen C0346153, MONDO:0016419, OMIM 114480. Disease mechanism: loss of function.

Allele frequency attached by ClinVar (database versions not stated): gnomAD exomes below 0.00001.
gnomAD v4.1: 1 of 1,614,006 alleles (0.000062%); highest among the groups gnomAD compares: East Asian, 0.0022%; no homozygotes.

Submissions (2):

Myriad Genetics, Inc.
Classification: Likely benign for Familial cancer of breast. Last evaluated: 2024-07-26. Review status: criteria provided, single submitter. Criteria: Myriad Autosomal Dominant, Autosomal Recessive and X-Linked Classification Criteria (2023). Collection method: clinical testing. Allele origin: unknown.
Comment: This variant is considered likely benign. This variant is intronic and is not expected to impact mRNA splicing.

Labcorp Genetics (formerly Invitae), Labcorp
Classification: Likely benign for Familial cancer of breast. Last evaluated: 2023-11-03. Review status: criteria provided, single submitter. Criteria: Invitae Variant Classification Sherloc (09022015). Collection method: clinical testing. Allele origin: germline.